The following is an entry in ClinVar:

ClinVar aggregate classification (germline): Uncertain significance (0 of 4 stars; one submission).

Conditions:
Polycystic kidney disease. Also called: Polycystic kidney dysplasia; Kidney, Polycystic. Identifiers: MedGen C0022680, MeSH D007690, MONDO:0020642, HP:0000113.

Allele frequency attached by ClinVar (database versions not stated): TOPMed below 0.00001.
gnomAD v4.1: 1 of 1,608,954 alleles (0.000062%); highest among the groups gnomAD compares: Non-Finnish European, 0.000085%; no homozygotes.

Submission:

Department of Pathology and Laboratory Medicine, Sinai Health System
Classification: Uncertain significance for Polycystic Kidney disease. Review status: no assertion criteria provided. Collection method: clinical testing. Allele origin: unknown. Affected: yes. Study: The Canadian Open Genetics Repository (COGR).
Comment: The PKD1 p.Gly4261Ser variant was not identified in the literature nor was it identified in the dbSNP, ClinVar, LOVD 3.0, ADPKD Mutation Database, PKD1-LOVD, Exome Aggregation Consortium (August 8th 2016), or the Genome Aggregation Database (Feb 27, 2017). The p.Gly4261 residue is conserved in in mammals but not in more distantly related organisms however computational analyses (PolyPhen-2, SIFT, AlignGVGD, BLOSUM, MutationTaster) do not suggest a high likelihood of impact to the protein; this information is not predictive enough to rule out pathogenicity. The variant occurs outside of the splicing consensus sequence and 2 of 4 in silico or computational prediction software programs (SpliceSiteFinder, MaxEntScan, NNSPLICE, GeneSplicer) predict a greater than 10% difference in splicing; this is not very predictive of pathogenicity. In summary, based on the above information the clinical significance of this variant cannot be determined with certainty at this time. This variant is classified as a variant of uncertain significance.

NM_001009944.3(PKD1):c.12781G>A (p.Gly4261Ser)

Gene: PKD1 (polycystin 1, transient receptor potential channel interacting; minus strand). Cytogenetic location: 16p13.3.
Variant type: single nucleotide variant.
Coding change: c.12781G>A on transcript NM_001009944.3 (MANE Select); coding-DNA position 12781, G replaced by A.
Protein change: p.Gly4261Ser; replaces glycine 4261 with serine.
Molecular consequence: missense variant.
Genome position (GRCh38, 1-based): chr16:2,089,858, C>T on the plus strand (G>A on the coding strand, the complement: PKD1 is on the minus strand). VCF-style: chr16-2089858-C-T. GRCh37 (hg19) VCF-style: chr16-2139859-C-T.
Other names: c.12778G>A, p.Gly4260Ser (NM_000296.4); short protein forms G4260S, G4261S.
Identifiers: ClinVar variation 997333 (VCV000997333.1), dbSNP rs2091385750, ClinGen allele CA394319773.